The following is an entry in ClinVar:

NM_001037.5(SCN1B):c.265C>T (p.Arg89Cys)

Gene: SCN1B (sodium voltage-gated channel beta subunit 1; plus strand). Cytogenetic location: 19q13.11.
Variant type: single nucleotide variant.
Coding change: c.265C>T on transcript NM_001037.5 (MANE Select); coding-DNA position 265, C replaced by T.
Protein change: p.Arg89Cys; replaces arginine 89 with cysteine.
Molecular consequence: missense variant.
Genome position (GRCh38, 1-based): chr19:35,033,556, C>T. VCF-style: chr19-35033556-C-T. GRCh37 (hg19) VCF-style: chr19-35524460-C-T.
Other names: c.166C>T, p.Arg56Cys (NM_001321605.2); c.265C>T, p.Arg89Cys (NM_199037.5); short protein forms R56C, R89C.
Identifiers: ClinVar variation 816882 (VCV000816882.34), dbSNP rs766910280, ClinGen allele CA9371998.
Genomic context (GRCh38, chr19:35,033,556, plus strand): 5'-TAGATCCTGCGCTATGAGAATGAGGTGTTGCAGCTGGAGGAGGATGAGCGCTTCGAGGGC[C>T]GCGTGGTGTGGAATGGCAGCCGGGGCACCAAAGACCTGCAGGATCTGTCTATCTTCATCA-3'
Protein context (NP_001028.1, residues 79-99): QLEEDERFEG[Arg89Cys]VVWNGSRGTK

ClinVar aggregate classification (germline): Conflicting classifications of pathogenicity. Review status: criteria provided, conflicting classifications (1 of 4 stars). 8 submissions from 8 submitters: Pathogenic (2); Likely pathogenic (3); Uncertain significance (3). Last evaluated 2025-08-11.

Conditions:
Generalized epilepsy with febrile seizures plus, type 1 (GEFSP1). Also called: GEFS+, TYPE 1. Identifiers: Orphanet 36387, MedGen C1858672, MONDO:0011416, OMIM 604233.
Brugada syndrome 5 (BRGDA5). Identifiers: Orphanet 130, Orphanet 871, MedGen C2748541, MONDO:0013015, OMIM 612838.
Developmental and epileptic encephalopathy, 52 (DEE52). Also called: Epileptic encephalopathy, early infantile, 52. Identifiers: MedGen C4479236, MONDO:0033361, OMIM 617350.
Cardiovascular phenotype. Identifiers: MedGen CN230736.
Epileptic encephalopathy. Identifiers: MedGen C0543888, HP:0200134.

Allele frequency attached by ClinVar (database versions not stated): ExAC 0.00002; gnomAD exomes 0.00001; gnomAD 0.00003 and 0.00004; TOPMed 0.00001.
gnomAD v4.1: 24 of 1,613,884 alleles (0.0015%); highest among the groups gnomAD compares: East Asian, 0.0022%; no homozygotes.

Submissions (8):

Ambry Genetics
Classification: Uncertain significance for Cardiovascular phenotype. Last evaluated: 2025-08-11. Review status: criteria provided, single submitter. Criteria: Ambry Variant Classification Scheme 2023. Collection method: clinical testing. Allele origin: germline.
Comment: The p.R89C variant (also known as c.265C>T), located in coding exon 3 of the SCN1B gene, results from a C to T substitution at nucleotide position 265. The arginine at codon 89 is replaced by cysteine, an amino acid with highly dissimilar properties. This variant has been identified in the homozygous state in individual(s) with features consistent with SCN1B-related developmental and epileptic encephalopathy (Darras N et al. Am J Med Genet A, 2019 Nov;179:2190-2195; Chen C et al. Brain Commun, 2023 Oct;5:fcad283). In an assay testing SCN1B function, this variant showed a functionally abnormal result (Chen C et al. Brain Commun, 2023 Oct;5:fcad283). This amino acid position is highly conserved in available vertebrate species. In addition, this alteration is predicted to be deleterious by in silico analysis. Based on the majority of available evidence to date, this variant is likely to be pathogenic for autosomal recessive SCN1B-related developmental and epileptic encephalopathy; however, its clinical significance for autosomal dominant SCN1B- related epilepsy and autosomal dominant Brugada syndrome is uncertain.

Laboratory of Genetics, Children's Clinical University Hospital Latvia
Classification: Pathogenic. Last evaluated: 2025-02-16. Review status: criteria provided, single submitter. Criteria: ACMG Guidelines, 2015. Collection method: clinical testing. Allele origin: germline. Affected: yes.

GeneDx
Classification: Uncertain significance. Last evaluated: 2024-09-10. Review status: criteria provided, single submitter. Criteria: GeneDx Variant Classification Process June 2021. Collection method: clinical testing. Allele origin: germline. Affected: yes.
Comment: In silico analysis supports that this missense variant has a deleterious effect on protein structure/function; This variant is associated with the following publications: (PMID: Chunling2023[Article], 33084218, 31465153, 36684540)

Labcorp Genetics (formerly Invitae), Labcorp
Classification: Pathogenic for Brugada syndrome 5. Last evaluated: 2024-09-06. Review status: criteria provided, single submitter. Criteria: Invitae Variant Classification Sherloc (09022015). Collection method: clinical testing. Allele origin: germline.
Comment: This sequence change replaces arginine, which is basic and polar, with cysteine, which is neutral and slightly polar, at codon 89 of the SCN1B protein (p.Arg89Cys). This variant is present in population databases (rs766910280, gnomAD 0.005%). This missense change has been observed in individuals with clinical features of autosomal recessive developmental and epileptic encephalopathy (PMID: 31465153; internal data). It has also been observed to segregate with disease in related individuals. ClinVar contains an entry for this variant (Variation ID: 816882). An algorithm developed to predict the effect of missense changes on protein structure and function (PolyPhen-2) suggests that this variant is likely to be disruptive. For these reasons, this variant has been classified as Pathogenic.

CeGaT Center for Human Genetics Tuebingen
Classification: Likely pathogenic. Last evaluated: 2024-09-01. Review status: criteria provided, single submitter. Criteria: CeGaT Center For Human Genetics Tuebingen Variant Classification Criteria Version 2. Collection method: clinical testing. Allele origin: germline. Affected: yes. Observed: 1 variant allele.
Comment: SCN1B: PM2, PM3, PP1, PS3:Supporting

Genomic Medicine Center of Excellence, King Faisal Specialist Hospital and Research Centre
Classification: Likely pathogenic for Developmental and epileptic encephalopathy, 52. Last evaluated: 2024-03-29. Review status: criteria provided, single submitter. Criteria: ACMG Guidelines, 2015. Collection method: clinical testing. Allele origin: germline.

Unidad de Genómica Garrahan, Hospital de Pediatría Garrahan
Classification: Likely pathogenic for Epileptic encephalopathy. Last evaluated: 2024-01-11. Review status: criteria provided, single submitter. Criteria: ACMG Guidelines, 2015. Collection method: clinical testing. Allele origin: germline. Affected: yes.

Genomic Medicine Lab, University of California San Francisco
Classification: Uncertain significance for Generalized epilepsy with febrile seizures plus, type 1. Last evaluated: 2018-08-16. Review status: criteria provided, single submitter. Criteria: ACMG Guidelines, 2015. Collection method: clinical testing. Allele origin: inherited. Inheritance: Autosomal recessive inheritance. Observed: 2 variant alleles. Study: CSER.

Literature cited by the submitters: PubMed 31465153 (cited by Ambry Genetics and Labcorp Genetics (formerly Invitae), Labcorp); PubMed 38425576 (cited by Ambry Genetics).